The following is an entry in ClinVar:

ClinVar aggregate classification (germline): Uncertain significance (1 of 4 stars; one submission).

Submission:

GeneDx
Classification: Uncertain significance. Last evaluated: 2024-12-09. Review status: criteria provided, single submitter. Criteria: GeneDx Variant Classification Process June 2021. Collection method: clinical testing. Allele origin: germline. Affected: yes.
Comment: Not observed at significant frequency in large population cohorts (gnomAD); In silico analysis supports that this missense variant has a deleterious effect on protein structure/function; Observed with a second ALG6 variant in a patient with clinical features of CDG Ic including hypotonia, psychomotor impairment, areflexia, and seizures, but it is not known whether the variants occurred on the same (in cis) or on different (in trans) chromosomes (PMID: 11134235); This variant is associated with the following publications: (PMID: 19862844, 12855228, 16584073, 11134235)

NM_013339.4(ALG6):c.509G>T (p.Ser170Ile)

Gene: ALG6 (ALG6 alpha-1,3-glucosyltransferase; plus strand). Cytogenetic location: 1p31.3.
Variant type: single nucleotide variant.
Coding change: c.509G>T on transcript NM_013339.4 (MANE Select); coding-DNA position 509, G replaced by T.
Protein change: p.Ser170Ile; replaces serine 170 with isoleucine.
Molecular consequence: missense variant.
Genome position (GRCh38, 1-based): chr1:63,411,160, G>T. VCF-style: chr1-63411160-G-T. GRCh37 (hg19) VCF-style: chr1-63876831-G-T.
Other names: short protein forms S170I.
Identifiers: ClinVar variation 3901450 (VCV003901450.1).